The following is an entry in ClinVar:

NM_006009.4(TUBA1A):c.937A>G (p.Met313Val)

Gene: TUBA1A (tubulin alpha 1a; minus strand). Cytogenetic location: 12q13.12.
Variant type: single nucleotide variant.
Coding change: c.937A>G on transcript NM_006009.4 (MANE Select); coding-DNA position 937, A replaced by G.
Protein change: p.Met313Val; replaces methionine 313 with valine.
Molecular consequence: missense variant.
Genome position (GRCh38, 1-based): chr12:49,185,429, T>C on the plus strand (A>G on the coding strand, the complement: TUBA1A is on the minus strand). VCF-style: chr12-49185429-T-C. GRCh37 (hg19) VCF-style: chr12-49579212-T-C.
Other names: c.937A>G, p.Met313Val (NM_001270399.2); c.832A>G, p.Met278Val (NM_001270400.2); short protein forms M278V, M313V.
Identifiers: ClinVar variation 2572426 (VCV002572426.1), dbSNP rs2498859915, ClinGen allele CA384638143.

ClinVar aggregate classification (germline): Uncertain significance (1 of 4 stars; one submission).

Conditions:
Lissencephaly due to TUBA1A mutation (CDCBM16). Also called: CORTICAL DYSPLASIA, COMPLEX, WITH OTHER BRAIN MALFORMATIONS 16; Lissencephaly 3. Identifiers: Orphanet 171680, MedGen C4305153, MONDO:0012703, OMIM 611603.

Submission:

3billion
Classification: Uncertain significance for Lissencephaly due to TUBA1A mutation. Review status: criteria provided, single submitter. Criteria: ACMG Guidelines, 2015. Collection method: clinical testing. Allele origin: unknown. Affected: yes. Observed: 1 heterozygote.
Comment: The variant is not observed in the gnomAD v2.1.1 dataset. In silico tool predictions suggest damaging effect of the variant on gene or gene product (REVEL: 0.93; 3Cnet: 0.99). Therefore, this variant is classified as Uncertain significance according to the recommendation of ACMG/AMP guideline.